The following is an entry in ClinVar:

NM_002225.5(IVD):c.994del (p.Arg332fs)

Gene: IVD (isovaleryl-CoA dehydrogenase; plus strand). Cytogenetic location: 15q15.1.
Variant type: Deletion.
Coding change: c.994del on transcript NM_002225.5 (MANE Select); coding-DNA position 994, one base deleted (C; older notation c.994delC).
Protein change: p.Arg332fs; shifts the reading frame from arginine 332.
Molecular consequence: frameshift variant. On other transcripts: non-coding transcript variant (1).
Genome position (GRCh38, 1-based): chr15:40,416,111, C deleted; the last of 3 consecutive C bases (chr15:40,416,109-40,416,111); deleting any one gives the same sequence. VCF-style (leftmost placement, unchanged base first): chr15-40416108-AC-A. GRCh37 (hg19) VCF-style: chr15-40708307-AC-A.
Other names: c.904del, p.Arg302fs (NM_001159508.3); c.946del, p.Arg316fs (NM_001354597.3); c.994del, p.Arg332fs (NM_001354598.3, NM_001354601.3); c.1081del, p.Arg361fs (NM_001354599.3, NM_001354600.3); short protein forms R361fs, R302fs, R316fs, R332fs.
Identifiers: ClinVar variation 553143 (VCV000553143.3), dbSNP rs1555405080, ClinGen allele CA658823800.

ClinVar aggregate classification (germline): Likely pathogenic. Review status: criteria provided, single submitter (1 of 4 stars). 2 submissions from 2 submitters: Likely pathogenic (1). 1 of the submissions does not count toward it. Last evaluated 2024-07-10.

Conditions:
Isovaleryl-CoA dehydrogenase deficiency (IVA). Also called: Classic Isovaleric Acidemia; ISOVALERIC ACID CoA DEHYDROGENASE DEFICIENCY; Isovaleric acidemia; IVD DEFICIENCY. Identifiers: Orphanet 33, MedGen C0268575, MONDO:0009475, OMIM 243500.

Submissions (2):

Natera, Inc.
Classification: Likely pathogenic for Isovaleryl-coa dehydrogenase deficiency. Last evaluated: 2024-07-10. Review status: criteria provided, single submitter. Criteria: Natera Variant Classification Schema (03/2026). Collection method: clinical testing. Allele origin: germline.
Comment: The c.1003delC variant in IVD is a frameshift variant predicted to shift the reading frame beginning at codon 335 and leads to a stop codon 29 codons downstream. This variant is expected to result in nonsense mediated decay, truncation, or a dysfunctional protein product. This variant is rare in the general population with a frequency below the threshold expected for the associated phenotype(s). Given the available evidence, this variant is classified as Likely Pathogenic.

Counsyl
Classification: Likely pathogenic for Isovaleryl-CoA dehydrogenase deficiency. Last evaluated: 2017-08-03. Review status: no assertion criteria provided. Collection method: clinical testing. Allele origin: unknown. Not counted in ClinVar's aggregate classification.